The following is an entry in ClinVar:

ClinVar aggregate classification (germline): Pathogenic (1 of 4 stars; one submission).

Conditions:
Joubert syndrome and related disorders. Identifiers: Orphanet 140874, MedGen C5679612, MONDO:0015369.

Submission:

Myriad Genetics, Inc.
Classification: Pathogenic for Joubert syndrome and related disorders. Last evaluated: 2025-02-01. Review status: criteria provided, single submitter. Criteria: Myriad Autosomal Dominant, Autosomal Recessive and X-Linked Classification Criteria (2023). Collection method: clinical testing. Allele origin: unknown.
Comment: NM_001080522.2(CC2D2A):c.2462C>A(S821*) is expected to be pathogenic in the context of CC2D2A-related disorders. This variant is predicted to lead to an abnormal or absent protein product due to the creation of a premature termination codon in CC2D2A, a gene where loss-of-function variants are known to be pathogenic. Please note: this variant was assessed in the context of healthy population screening.

NM_001378615.1(CC2D2A):c.2462C>A (p.Ser821Ter)

Genes: CC2D2A (coiled-coil and C2 domain containing 2A; plus strand), FBXL5 (F-box and leucine rich repeat protein 5; minus strand). Cytogenetic location: 4p15.32.
Variant type: single nucleotide variant.
Coding change: c.2462C>A on transcript NM_001378615.1 (MANE Select); coding-DNA position 2462, C replaced by A.
Protein change: p.Ser821Ter; replaces serine 821 with a stop codon.
Molecular consequence: nonsense.
Genome position (GRCh38, 1-based): chr4:15,553,281, C>A. VCF-style: chr4-15553281-C-A. GRCh37 (hg19) VCF-style: chr4-15554904-C-A.
Other names: c.2462C>A, p.Ser821Ter (NM_001080522.2); c.2315C>A, p.Ser772Ter (NM_001378617.1); short protein forms S772*, S821*.
Identifiers: ClinVar variation 5014049 (VCV005014049.1).